The following is an entry in ClinVar:

NM_032242.4(PLXNA1):c.3081C>T (p.Ile1027=)

Gene: PLXNA1 (plexin A1; plus strand). Cytogenetic location: 3q21.3.
Variant type: single nucleotide variant.
Coding change: c.3081C>T on transcript NM_032242.4 (MANE Select); coding-DNA position 3081, C replaced by T.
Protein change: p.Ile1027=; no amino-acid change (isoleucine 1027 retained).
Molecular consequence: synonymous variant.
Genome position (GRCh38, 1-based): chr3:127,016,583, C>T. VCF-style: chr3-127016583-C-T. GRCh37 (hg19) VCF-style: chr3-126735426-C-T.
Identifiers: ClinVar variation 3344284 (VCV003344284.1).
Genomic context (GRCh38, chr3:127,016,583, plus strand): 5'-CTCCCGTGAGATCCGGTGCCTGACACCCCCCGGGCAGAGCCCTGGCAGCGCTCCCATCAT[C>T]ATCAACATCAACCGCGCCCAGCTCACCAACCCTGAGGTGAAGTACAACTACACCGAGGAC-3'
Protein context (NP_115618.3, residues 1017-1037): PGQSPGSAPI[Ile1027=]ININRAQLTN

ClinVar aggregate classification (germline): Likely benign (0 of 4 stars; one submission).

Conditions:
PLXNA1-related disorder. Also called: PLXNA1-related condition.

gnomAD v4.1: 2 of 1,614,012 alleles (0.00012%); highest among the groups gnomAD compares: Middle Eastern, 0.017%; no homozygotes.

Submission:

PreventionGenetics, part of Exact Sciences
Classification: Likely benign for PLXNA1-related condition. Last evaluated: 2024-05-08. Review status: no assertion criteria provided. Collection method: clinical testing. Allele origin: germline.
Comment: This variant is classified as likely benign based on ACMG/AMP sequence variant interpretation guidelines (Richards et al. 2015 PMID: 25741868, with internal and published modifications).